The following is an entry in ClinVar:

NM_002691.4(POLD1):c.1429G>A (p.Val477Met)

Gene: POLD1 (DNA polymerase delta 1, catalytic subunit; plus strand). Cytogenetic location: 19q13.33.
Variant type: single nucleotide variant.
Coding change: c.1429G>A on transcript NM_002691.4 (MANE Select); coding-DNA position 1429, G replaced by A.
Protein change: p.Val477Met; replaces valine 477 with methionine.
Molecular consequence: missense variant. On other transcripts: non-coding transcript variant (1).
Genome position (GRCh38, 1-based): chr19:50,406,452, G>A. VCF-style: chr19-50406452-G-A. GRCh37 (hg19) VCF-style: chr19-50909709-G-A.
Other names: c.1429G>A, p.Val477Met (NM_001256849.1, NM_001308632.1); short protein forms V477M.
Identifiers: ClinVar variation 537029 (VCV000537029.19), dbSNP rs766881510, ClinGen allele CA9596140.

ClinVar aggregate classification (germline): Uncertain significance. Review status: criteria provided, multiple submitters, no conflicts (2 of 4 stars). 6 submissions from 6 submitters: Uncertain significance (6). Last evaluated 2025-12-22.

Conditions:
Hereditary cancer-predisposing syndrome. Also called: Tumor predisposition; Neoplastic Syndromes, Hereditary; Hereditary Cancer Syndrome; Hereditary neoplastic syndrome. Identifiers: Orphanet 140162, MedGen C0027672, MeSH D009386, MONDO:0015356.
POLD1-related polyposis and colorectal cancer syndrome (CRCS10). Also called: Colorectal cancer 10; COLORECTAL CANCER, SUSCEPTIBILITY TO, ON CHROMOSOME 19q; Colorectal cancer, susceptibility to, 10. Identifiers: Orphanet 220460, MedGen C2675481, MONDO:0012953, OMIM 612591.
Familial colorectal cancer type X. Identifiers: Orphanet 440437, MedGen C3896578, MONDO:0018604.
Polymerase proofreading-related adenomatous polyposis. Also called: Polymerase proofreading associated polyposis; Polymerase proofreading–associated polyposis (PPAP). Identifiers: Orphanet 447877, MedGen C5202613, MONDO:0018653.

Allele frequency attached by ClinVar (database versions not stated): gnomAD 0.00001; gnomAD exomes 0.00001; TOPMed 0.00001; ExAC 0.00005.

Submissions (6):

Ambry Genetics
Classification: Uncertain significance for Hereditary cancer-predisposing syndrome. Last evaluated: 2025-12-22. Review status: criteria provided, single submitter. Criteria: Ambry Variant Classification Scheme 2023. Collection method: clinical testing. Allele origin: germline.
Comment: The p.V477M variant (also known as c.1429G>A), located in coding exon 11 of the POLD1 gene, results from a G to A substitution at nucleotide position 1429. The valine at codon 477 is replaced by methionine, an amino acid with highly similar properties. This alteration has been detected in an endometrial tumor that displayed a mutation spectrum typical of microsatellite instability; suggesting that p.V477M does not impact exonuclease function (Haradhvala NJ et al. Nat Commun, 2018 May;9:1746). This amino acid position is highly conserved in available vertebrate species. In addition, the in silico prediction for this alteration is inconclusive. Since supporting evidence is limited at this time, the clinical significance of this alteration remains unclear.

Molecular Diagnostics Laboratory, Catalan Institute of Oncology
Classification: Uncertain significance for Hereditary cancer-predisposing syndrome. Last evaluated: 2025-05-07. Review status: criteria provided, single submitter. Criteria: Submitter's publication. Collection method: clinical testing. Allele origin: germline.
Comment: PM1_Supporting, BS3_Supporting c.1429G>A, located in exon 12 of the POLD1 gene, is predicted to result in the substitution of valine by methionine at codon 477, p.(Val477Met). This variant affects a (potentially) clinically important functional domain (PM1_Supporting). This variant is found in 3/244552 alleles at a frequency of 0,001% in the gnomAD v2.1.1 database, non-cancer dataset. The SpliceAI algorithm predicts no significant impact on splicing, and the REVEL meta-predictor score (0.664) for this variant is indeterminate regarding the effect that it may have on protein function. Assays in yeast reported that this variant shows polymerase proofreading function similar to WT (PMID:�38219146, 29717118) (BS3_Supporting). To our knowledge, no relevant clinical data have been reported for this variant. This variant has been reported in the ClinVar database (4x uncertain significance) and in LOVD (1x uncertain significance). Based on currently available information, the variant c.1429G>A should be considered an uncertain significance variant according to ACMG/AMP classification guidelines.

Labcorp Genetics (formerly Invitae), Labcorp
Classification: Uncertain significance for POLD1-related polyposis and colorectal cancer syndrome. Last evaluated: 2025-01-30. Review status: criteria provided, single submitter. Criteria: Invitae Variant Classification Sherloc (09022015). Collection method: clinical testing. Allele origin: germline.
Comment: This sequence change replaces valine, which is neutral and non-polar, with methionine, which is neutral and non-polar, at codon 477 of the POLD1 protein (p.Val477Met). The frequency data for this variant in the population databases is considered unreliable, as metrics indicate poor data quality at this position in the gnomAD database. This variant has not been reported in the literature in individuals affected with POLD1-related conditions. ClinVar contains an entry for this variant (Variation ID: 537029). Invitae Evidence Modeling of protein sequence and biophysical properties (such as structural, functional, and spatial information, amino acid conservation, physicochemical variation, residue mobility, and thermodynamic stability) indicates that this missense variant is expected to disrupt POLD1 protein function with a positive predictive value of 80%. In summary, the available evidence is currently insufficient to determine the role of this variant in disease. Therefore, it has been classified as a Variant of Uncertain Significance.

Baylor Genetics
Classification: Uncertain significance for POLD1-related polyposis and colorectal cancer syndrome. Last evaluated: 2024-03-30. Review status: criteria provided, single submitter. Criteria: ACMG Guidelines, 2015. Collection method: clinical testing. Allele origin: unknown.

Department of Pathology and Laboratory Medicine, Sinai Health System
Classification: Uncertain significance for Polymerase proofreading-related adenomatous polyposis; Familial colorectal cancer type X. Last evaluated: 2023-03-10. Review status: criteria provided, single submitter. Criteria: ACMG Guidelines, 2015. Collection method: clinical testing. Allele origin: germline. Affected: yes.

GeneDx
Classification: Uncertain significance. Last evaluated: 2023-02-10. Review status: criteria provided, single submitter. Criteria: GeneDx Variant Classification Process June 2021. Collection method: clinical testing. Allele origin: germline. Affected: yes.
Comment: Not observed at significant frequency in large population cohorts (gnomAD); In silico analysis supports that this missense variant has a deleterious effect on protein structure/function; Has not been previously published as a pathogenic or benign germline variant to our knowledge; This variant is associated with the following publications: (PMID: 29056344, 29717118, 26648449, 32686686, 11988770, 20951805)

Literature cited by the submitters: PubMed 26648449 (cited by Ambry Genetics); PubMed 29717118 (cited by Ambry Genetics).